The following is an entry in ClinVar:

ClinVar aggregate classification (germline): Uncertain significance (1 of 4 stars; one submission).

Conditions:
Hypertrophic cardiomyopathy. Also called: HYPERTROPHIC MYOCARDIOPATHY. Identifiers: Orphanet 217569, MedGen C0007194, MeSH D002312, MONDO:0005045, HP:0001639.

gnomAD v4.1: 1 of 1,590,104 alleles (0.000063%); highest among the groups gnomAD compares: Non-Finnish European, 0.000085%; no homozygotes.

Submission:

Labcorp Genetics (formerly Invitae), Labcorp
Classification: Uncertain significance for Hypertrophic cardiomyopathy. Last evaluated: 2020-03-17. Review status: criteria provided, single submitter. Criteria: Invitae Variant Classification Sherloc (09022015). Collection method: clinical testing. Allele origin: germline.
Comment: Algorithms developed to predict the effect of missense changes on protein structure and function (SIFT, PolyPhen-2, Align-GVGD) all suggest that this variant is likely to be tolerated, but these predictions have not been confirmed by published functional studies and their clinical significance is uncertain. This sequence change replaces threonine with serine at codon 290 of the JPH2 protein (p.Thr290Ser). The threonine residue is moderately conserved and there is a small physicochemical difference between threonine and serine. This variant is not present in population databases (ExAC no frequency). This variant has not been reported in the literature in individuals with JPH2-related conditions. In summary, the available evidence is currently insufficient to determine the role of this variant in disease. Therefore, it has been classified as a Variant of Uncertain Significance.

NM_020433.5(JPH2):c.869C>G (p.Thr290Ser)

Gene: JPH2 (junctophilin 2; minus strand). Cytogenetic location: 20q13.12.
Variant type: single nucleotide variant.
Coding change: c.869C>G on transcript NM_020433.5 (MANE Select); coding-DNA position 869, C replaced by G.
Protein change: p.Thr290Ser; replaces threonine 290 with serine.
Molecular consequence: missense variant.
Genome position (GRCh38, 1-based): chr20:44,159,918, G>C on the plus strand (C>G on the coding strand, the complement: JPH2 is on the minus strand). VCF-style: chr20-44159918-G-C. GRCh37 (hg19) VCF-style: chr20-42788558-G-C.
Other names: short protein forms T290S.
Identifiers: ClinVar variation 1035686 (VCV001035686.8), dbSNP rs757257639, ClinGen allele CA409093502.